The following is an entry in ClinVar:

NM_005477.3(HCN4):c.1023G>C (p.Trp341Cys)

Genes: HCN4 (hyperpolarization activated cyclic nucleotide gated potassium channel 4; minus strand), LOC105370890 (uncharacterized LOC105370890; plus strand), LOC126862173 (CDK7 strongly-dependent group 2 enhancer GRCh37_chr15:73635762-73636961; plus strand). Cytogenetic location: 15q24.1.
Variant type: single nucleotide variant.
Coding change: c.1023G>C on transcript NM_005477.3 (MANE Select); coding-DNA position 1023, G replaced by C.
Protein change: p.Trp341Cys; replaces tryptophan 341 with cysteine.
Molecular consequence: missense variant.
Genome position (GRCh38, 1-based): chr15:73,343,571, C>G on the plus strand (G>C on the coding strand, the complement: HCN4 is on the minus strand). VCF-style: chr15-73343571-C-G. GRCh37 (hg19) VCF-style: chr15-73635912-C-G.
Other names: short protein forms W341C.
Identifiers: ClinVar variation 538087 (VCV000538087.9), dbSNP rs1555477308, ClinGen allele CA393095019.

ClinVar aggregate classification (germline): Uncertain significance (1 of 4 stars; one submission).

Conditions:
Brugada syndrome 8 (BRGDA8). Identifiers: Orphanet 130, MedGen C2751083, MONDO:0013148, OMIM 613123.

Submission:

Labcorp Genetics (formerly Invitae), Labcorp
Classification: Uncertain significance for Brugada syndrome 8. Last evaluated: 2017-10-26. Review status: criteria provided, single submitter. Criteria: Invitae Variant Classification Sherloc (09022015). Collection method: clinical testing. Allele origin: germline.
Comment: This sequence change replaces tryptophan with cysteine at codon 341 of the HCN4 protein (p.Trp341Cys). The tryptophan residue is highly conserved and there is a large physicochemical difference between tryptophan and cysteine. This variant is not present in population databases (ExAC no frequency). This variant has not been reported in the literature in individuals with HCN4-related disease. Algorithms developed to predict the effect of missense changes on protein structure and function do not agree on the potential impact of this missense change (SIFT: "Deleterious"; PolyPhen-2: "Benign"; Align-GVGD: "Class C65"). In summary, the available evidence is currently insufficient to determine the role of this variant in disease. Therefore, it has been classified as a Variant of Uncertain Significance.